The following is an entry in ClinVar:

ClinVar aggregate classification (germline): Uncertain significance (1 of 4 stars; one submission).

Conditions:
Adams-Oliver syndrome 5 (AOS5). Identifiers: Orphanet 974, MedGen C4014970, MONDO:0014459, OMIM 616028.

gnomAD v4.1: 14 of 1,588,114 alleles (0.00088%); highest among the groups gnomAD compares: East Asian, 0.029%; no homozygotes.

Submission:

Labcorp Genetics (formerly Invitae), Labcorp
Classification: Uncertain significance for Adams-Oliver syndrome 5. Last evaluated: 2025-06-25. Review status: criteria provided, single submitter. Criteria: Invitae Variant Classification Sherloc (09022015). Collection method: clinical testing. Allele origin: germline.
Comment: This sequence change falls in intron 30 of the NOTCH1 gene. It does not directly change the encoded amino acid sequence of the NOTCH1 protein. It affects a nucleotide within the consensus splice site. The frequency data for this variant in the population databases is considered unreliable, as metrics indicate poor data quality at this position in the gnomAD database. This variant has not been reported in the literature in individuals affected with NOTCH1-related conditions. Variants that disrupt the consensus splice site are a relatively common cause of aberrant splicing (PMID: 17576681, 9536098). Algorithms developed to predict the effect of sequence changes on RNA splicing suggest that this variant is not likely to affect RNA splicing. In summary, the available evidence is currently insufficient to determine the role of this variant in disease. Therefore, it has been classified as a Variant of Uncertain Significance.

Literature cited by the submitters: PubMed 17576681; PubMed 9536098.

NM_017617.5(NOTCH1):c.5639-3C>T

Gene: NOTCH1 (notch receptor 1; minus strand). Cytogenetic location: 9q34.3.
Variant type: single nucleotide variant.
Coding change: c.5639-3C>T on transcript NM_017617.5 (MANE Select); 3 bases into the intron before coding-DNA position 5639, C replaced by T.
Molecular consequence: intron variant.
Genome position (GRCh38, 1-based): chr9:136,500,850, G>A on the plus strand (C>T on the coding strand, the complement: NOTCH1 is on the minus strand). VCF-style: chr9-136500850-G-A. GRCh37 (hg19) VCF-style: chr9-139395302-G-A.
Identifiers: ClinVar variation 4704032 (VCV004704032.1).